The following is an entry in ClinVar:

NM_001122955.4(BSCL2):c.512G>T (p.Arg171Leu)

Genes: BSCL2 (BSCL2 lipid droplet biogenesis associated, seipin; minus strand), HNRNPUL2-BSCL2 (HNRNPUL2-BSCL2 readthrough (NMD candidate); minus strand). Cytogenetic location: 11q12.3.
Variant type: single nucleotide variant.
Coding change: c.512G>T on transcript NM_001122955.4 (MANE Select); coding-DNA position 512, G replaced by T.
Protein change: p.Arg171Leu; replaces arginine 171 with leucine.
Molecular consequence: missense variant. On other transcripts: non-coding transcript variant (1).
Genome position (GRCh38, 1-based): chr11:62,694,686, C>A on the plus strand (G>T on the coding strand, the complement: BSCL2 is on the minus strand). VCF-style: chr11-62694686-C-A. GRCh37 (hg19) VCF-style: chr11-62462158-C-A.
Other names: p.Arg107Leu; c.512G>T (NM_001122955.3); c.320G>T, p.Arg107Leu (NM_001130702.2, NM_032667.6); c.512G>T, p.Arg171Leu (NM_001386027.1, NM_001386028.1); short protein forms R107L, R171L.
Identifiers: ClinVar variation 1694052 (VCV001694052.10), dbSNP rs377609967, ClinGen allele CA6053537.

ClinVar aggregate classification (germline): Uncertain significance. Review status: criteria provided, multiple submitters, no conflicts (2 of 4 stars). 3 submissions from 3 submitters: Uncertain significance (3). Last evaluated 2025-12-31.

Conditions:
Charcot-Marie-Tooth disease type 2. Also called: Charcot-Marie-Tooth type 2. Identifiers: Orphanet 64746, MedGen C0270914, MONDO:0018993.
BSCL2-related disorder. Also called: BSCL2-related condition; BSCL2-Related Disorders.

Allele frequency attached by ClinVar (database versions not stated): gnomAD 0.00001; TOPMed 0.00002; ESP Exome Variant Server 0.00008.
gnomAD v4.1: 33 of 1,614,016 alleles (0.002%); highest among the groups gnomAD compares: Non-Finnish European, 0.0022%; no homozygotes.

Submissions (3):

Labcorp Genetics (formerly Invitae), Labcorp
Classification: Uncertain significance for Charcot-Marie-Tooth disease type 2. Last evaluated: 2025-12-31. Review status: criteria provided, single submitter. Criteria: Invitae Variant Classification Sherloc (09022015). Collection method: clinical testing. Allele origin: germline.
Comment: This sequence change replaces arginine, which is basic and polar, with leucine, which is neutral and non-polar, at codon 107 of the BSCL2 protein (p.Arg107Leu). This variant is present in population databases (rs377609967, gnomAD 0.01%). This missense change has been observed in individual(s) with hereditary spastic paraplegia (PMID: 28362824). ClinVar contains an entry for this variant (Variation ID: 1694052). Invitae Evidence Modeling of protein sequence and biophysical properties (such as structural, functional, and spatial information, amino acid conservation, physicochemical variation, residue mobility, and thermodynamic stability) indicates that this missense variant is expected to disrupt BSCL2 protein function with a positive predictive value of 80%. Algorithms developed to predict the effect of sequence changes on RNA splicing suggest that this variant may disrupt the consensus splice site. In summary, the available evidence is currently insufficient to determine the role of this variant in disease. Therefore, it has been classified as a Variant of Uncertain Significance.

PreventionGenetics, part of Exact Sciences
Classification: Uncertain significance for BSCL2-related condition. Last evaluated: 2025-05-29. Review status: criteria provided, single submitter. Criteria: ACMG Guidelines, 2015. Collection method: clinical testing. Allele origin: germline.
Comment: The BSCL2 c.512G>T variant is predicted to result in the amino acid substitution p.Arg171Leu. This variant was reported as a variant of uncertain significance in an individual with features of hereditary spastic paraplegia (Table 3, Iqbal et al. 2017. PubMed ID: 28362824). This variant is reported in 0.012% of alleles in individuals of European (Finnish) descent in gnomAD. At this time, the clinical significance of this variant is uncertain due to the absence of conclusive functional and genetic evidence.

Mayo Clinic Laboratories, Mayo Clinic
Classification: Uncertain significance. Last evaluated: 2022-01-20. Review status: criteria provided, single submitter. Criteria: ACMG Guidelines, 2015. Collection method: clinical testing. Allele origin: germline.

Literature cited by the submitters: PubMed 28362824 (cited by Labcorp Genetics (formerly Invitae), Labcorp).